The following is an entry in ClinVar:

NM_001378778.1(MPDZ):c.2401G>T (p.Asp801Tyr)

Gene: MPDZ (multiple PDZ domain crumbs cell polarity complex component; minus strand). Cytogenetic location: 9p23.
Variant type: single nucleotide variant.
Coding change: c.2401G>T on transcript NM_001378778.1 (MANE Select); coding-DNA position 2401, G replaced by T.
Protein change: p.Asp801Tyr; replaces aspartic acid 801 with tyrosine.
Molecular consequence: missense variant.
Genome position (GRCh38, 1-based): chr9:13,186,350, C>A on the plus strand (G>T on the coding strand, the complement: MPDZ is on the minus strand). VCF-style: chr9-13186350-C-A. GRCh37 (hg19) VCF-style: chr9-13186349-C-A.
Other names: c.2401G>T, p.Asp801Tyr (NM_001261406.2, NM_001261407.2, NM_001330637.2 and 14 more transcripts); short protein forms D801Y.
Identifiers: ClinVar variation 522684 (VCV000522684.7), dbSNP rs758473798, ClinGen allele CA4987470.

ClinVar aggregate classification (germline): Uncertain significance. Review status: criteria provided, multiple submitters, no conflicts (2 of 4 stars). 2 submissions from 2 submitters: Uncertain significance (2). Last evaluated 2022-08-29.

Conditions:
Hydrocephalus, nonsyndromic, autosomal recessive 2. Also called: Hydrocephalus, congenital, 2, with or without brain or eye anomalies. Identifiers: Orphanet 2185, MedGen C3554691, MONDO:0014085, OMIM 615219.

Allele frequency attached by ClinVar (database versions not stated): TOPMed 0.00004; gnomAD 0.00006 and 0.00007; gnomAD exomes 0.00008; ExAC 0.00009.
gnomAD v4.1: 130 of 1,588,910 alleles (0.0082%); highest among the groups gnomAD compares: Middle Eastern, 0.033%; 1 homozygote.

Submissions (2):

Labcorp Genetics (formerly Invitae), Labcorp
Classification: Uncertain significance. Last evaluated: 2022-08-29. Review status: criteria provided, single submitter. Criteria: Invitae Variant Classification Sherloc (09022015). Collection method: clinical testing. Allele origin: germline.
Comment: This sequence change replaces aspartic acid, which is acidic and polar, with tyrosine, which is neutral and polar, at codon 801 of the MPDZ protein (p.Asp801Tyr). This variant is present in population databases (rs758473798, gnomAD 0.03%), including at least one homozygous and/or hemizygous individual. This variant has not been reported in the literature in individuals affected with MPDZ-related conditions. ClinVar contains an entry for this variant (Variation ID: 522684). Algorithms developed to predict the effect of missense changes on protein structure and function (SIFT, PolyPhen-2, Align-GVGD) all suggest that this variant is likely to be disruptive. In summary, the available evidence is currently insufficient to determine the role of this variant in disease. Therefore, it has been classified as a Variant of Uncertain Significance.

Genomic Research Center, Shahid Beheshti University of Medical Sciences
Classification: Uncertain significance for Hydrocephalus, congenital, 2, with or without brain or eye anomalies. Last evaluated: 2019-04-27. Review status: criteria provided, single submitter. Criteria: ACMG Guidelines, 2015. Collection method: clinical testing. Allele origin: inherited. Affected: yes.